The following is an entry in ClinVar:

ClinVar aggregate classification (germline): Benign/Likely benign. Review status: criteria provided, multiple submitters, no conflicts (2 of 4 stars). 5 submissions from 5 submitters: Benign (1); Likely benign (4). Last evaluated 2025-02-14.

Conditions:
Hereditary cancer-predisposing syndrome. Also called: Hereditary Cancer Syndrome; Neoplastic Syndromes, Hereditary; Hereditary neoplastic syndrome; Tumor predisposition. Identifiers: Orphanet 140162, MedGen C0027672, MeSH D009386, MONDO:0015356.
Breast-ovarian cancer, familial, susceptibility to, 3. Also called: RAD51C-Related Breast/Ovarian Cancer. Identifiers: Orphanet 145, MedGen C3150659, MONDO:0013253, OMIM 613399.
Fanconi anemia complementation group O. Also called: RAD51C-Related Fanconi Anemia. Identifiers: Orphanet 84, MedGen C3150653, MONDO:0013248, OMIM 613390.

Allele frequency attached by ClinVar (database versions not stated): ExAC 0.00001.

Submissions (5):

Myriad Genetics, Inc.
Classification: Benign for Breast-ovarian cancer, familial, susceptibility to, 3. Last evaluated: 2025-02-14. Review status: criteria provided, single submitter. Criteria: Myriad Autosomal Dominant, Autosomal Recessive and X-Linked Classification Criteria (2023). Collection method: clinical testing. Allele origin: unknown.
Comment: This variant is considered benign. This variant is a silent/synonymous amino acid change and it is not expected to impact splicing.

Labcorp Genetics (formerly Invitae), Labcorp
Classification: Likely benign for Fanconi anemia complementation group O. Last evaluated: 2023-03-23. Review status: criteria provided, single submitter. Criteria: Invitae Variant Classification Sherloc (09022015). Collection method: clinical testing. Allele origin: germline.

Ambry Genetics
Classification: Likely benign for Hereditary cancer-predisposing syndrome. Last evaluated: 2022-12-12. Review status: criteria provided, single submitter. Criteria: Ambry Variant Classification Scheme 2023. Collection method: clinical testing. Allele origin: germline.

Mendelics
Classification: Likely benign for Fanconi anemia complementation group O. Last evaluated: 2019-05-28. Review status: criteria provided, single submitter. Criteria: Mendelics Assertion Criteria 2017. Collection method: clinical testing. Allele origin: unknown.

Color Diagnostics, LLC DBA Color Health
Classification: Likely benign for Hereditary cancer-predisposing syndrome. Last evaluated: 2018-10-24. Review status: criteria provided, single submitter. Criteria: ACMG Guidelines, 2015. Collection method: clinical testing. Allele origin: germline.

NM_058216.3(RAD51C):c.115C>T (p.Leu39=)

Gene: RAD51C (RAD51 paralog C; plus strand). Cytogenetic location: 17q22.
Variant type: single nucleotide variant.
Coding change: c.115C>T on transcript NM_058216.3 (MANE Select); coding-DNA position 115, C replaced by T.
Protein change: p.Leu39=; no amino-acid change (leucine 39 retained).
Molecular consequence: synonymous variant. On other transcripts: non-coding transcript variant (1).
Genome position (GRCh38, 1-based): chr17:58,692,758, C>T. VCF-style: chr17-58692758-C-T. GRCh37 (hg19) VCF-style: chr17-56770119-C-T.
Other names: c.115C>T (NM_058216.1); c.115C>T, p.Leu39= (NM_002876.4).
Identifiers: ClinVar variation 803441 (VCV000803441.14), dbSNP rs759149207, ClinGen allele CA8677149.
Genomic context (GRCh38, chr17:58,692,758, plus strand): 5'-CTGTCTCCAGCGGTGCGGGTGAAGCTGGTGTCTGCGGGGTTCCAGACTGCTGAGGAACTC[C>T]TAGAGGTGAAACCCTCCGAGCTTAGCAAAGGTAACGACTCCTGATGGCAAGCTGAGGCAC-3'
Protein context (NP_478123.1, residues 29-49): SAGFQTAEEL[Leu39=]EVKPSELSKE